The following is an entry in ClinVar:

NM_014272.5(ADAMTS7):c.4659C>T (p.Cys1553=)

Gene: ADAMTS7 (ADAM metallopeptidase with thrombospondin type 1 motif 7; minus strand). Cytogenetic location: 15q25.1.
Variant type: single nucleotide variant.
Coding change: c.4659C>T on transcript NM_014272.5 (MANE Select); coding-DNA position 4659, C replaced by T.
Protein change: p.Cys1553=; no amino-acid change (cysteine 1553 retained).
Molecular consequence: synonymous variant.
Genome position (GRCh38, 1-based): chr15:78,763,780, G>A on the plus strand (C>T on the coding strand, the complement: ADAMTS7 is on the minus strand). VCF-style: chr15-78763780-G-A. GRCh37 (hg19) VCF-style: chr15-79056122-G-A.
Other names: NC_000015.9:g.79056122G>A.
Identifiers: ClinVar variation 774498 (VCV000774498.28), dbSNP rs112320482, ClinGen allele CA7685405.

ClinVar aggregate classification (germline): Benign/Likely benign. Review status: criteria provided, multiple submitters, no conflicts (2 of 4 stars). 2 submissions from 2 submitters: Benign (1); Likely benign (1). Last evaluated 2022-12-01.

Allele frequency attached by ClinVar (database versions not stated): ESP Exome Variant Server 0.00078; gnomAD 0.00102 and 0.00129; TOPMed 0.00102; gnomAD exomes 0.00164 and 0.00209; 1000 Genomes Project 30x 0.00172; 1000 Genomes Project 0.00240; ExAC 0.00350.
gnomAD v4.1: 2,596 of 1,593,752 alleles (0.16%); highest among the groups gnomAD compares: South Asian, 0.75%; 16 homozygotes.

Submissions (3):

CeGaT Center for Human Genetics Tuebingen
Classification: Likely benign. Last evaluated: 2022-12-01. Review status: criteria provided, single submitter. Criteria: CeGaT Center For Human Genetics Tuebingen Variant Classification Criteria Version 2. Collection method: clinical testing. Allele origin: germline. Affected: yes. Observed: 1 variant allele.
Comment: ADAMTS7: BP4, BP7, BS2

Labcorp Genetics (formerly Invitae), Labcorp
Classification: Benign. Last evaluated: 2018-08-15. Review status: criteria provided, single submitter. Criteria: Invitae Variant Classification Sherloc (09022015). Collection method: clinical testing. Allele origin: germline.

Dr. Peter K. Rogan Lab, Western University
No classification provided (evidence only). Condition: Colorectal cancer. Review status: no classification provided. Collection method: in vitro. Allele origin: not applicable. Functional consequence: retained intron. Not counted in ClinVar's aggregate classification.